The following is an entry in ClinVar:

ClinVar aggregate classification (germline): Conflicting classifications of pathogenicity. Review status: criteria provided, conflicting classifications (1 of 4 stars). 3 submissions from 3 submitters: Uncertain significance (2); Likely benign (1). Last evaluated 2025-05-19.

Conditions:
Spastic paraplegia. Identifiers: MedGen C0037772, HP:0001258.
Inborn genetic diseases. Identifiers: MedGen C0950123, MeSH D030342.

Allele frequency attached by ClinVar (database versions not stated): gnomAD 0.00003; TOPMed 0.00004.
gnomAD v4.1: 38 of 1,613,974 alleles (0.0024%); highest among the groups gnomAD compares: South Asian, 0.0066%; no homozygotes.

Submissions (3):

Ambry Genetics
Classification: Likely benign for Inborn genetic diseases. Last evaluated: 2025-05-19. Review status: criteria provided, single submitter. Criteria: Ambry Variant Classification Scheme 2023. Collection method: clinical testing. Allele origin: germline.

Blueprint Genetics
Classification: Uncertain significance. Last evaluated: 2023-09-08. Review status: criteria provided, single submitter. Criteria: ACMG Guidelines, 2015. Collection method: clinical testing. Allele origin: germline.

Labcorp Genetics (formerly Invitae), Labcorp
Classification: Uncertain significance for Spastic paraplegia. Last evaluated: 2021-09-24. Review status: criteria provided, single submitter. Criteria: Invitae Variant Classification Sherloc (09022015). Collection method: clinical testing. Allele origin: germline.
Comment: This sequence change replaces arginine with histidine at codon 1252 of the ZFYVE26 protein (p.Arg1252His). The arginine residue is weakly conserved and there is a small physicochemical difference between arginine and histidine. This variant is present in population databases (rs201203611, ExAC 0.01%). This variant has not been reported in the literature in individuals with ZFYVE26-related conditions. Algorithms developed to predict the effect of missense changes on protein structure and function output the following: SIFT: "Tolerated"; PolyPhen-2: "Benign"; Align-GVGD: "Class C0". The histidine amino acid residue is found in multiple mammalian species, suggesting that this missense change does not adversely affect protein function. These predictions have not been confirmed by published functional studies and their clinical significance is uncertain. In summary, the available evidence is currently insufficient to determine the role of this variant in disease. Therefore, it has been classified as a Variant of Uncertain Significance.

NM_015346.4(ZFYVE26):c.3755G>A (p.Arg1252His)

Gene: ZFYVE26 (zinc finger FYVE-type containing 26; minus strand). Cytogenetic location: 14q24.1.
Variant type: single nucleotide variant.
Coding change: c.3755G>A on transcript NM_015346.4 (MANE Select); coding-DNA position 3755, G replaced by A.
Protein change: p.Arg1252His; replaces arginine 1252 with histidine.
Molecular consequence: missense variant.
Genome position (GRCh38, 1-based): chr14:67,783,397, C>T on the plus strand (G>A on the coding strand, the complement: ZFYVE26 is on the minus strand). VCF-style: chr14-67783397-C-T. GRCh37 (hg19) VCF-style: chr14-68250114-C-T.
Other names: c.3755G>A (NM_015346.3); short protein forms R1252H.
Identifiers: ClinVar variation 1467150 (VCV001467150.7), dbSNP rs201203611, ClinGen allele CA7239909.